The following is an entry in ClinVar:

ClinVar aggregate classification (germline): Uncertain significance. Review status: criteria provided, multiple submitters, no conflicts (2 of 4 stars). 4 submissions from 4 submitters: Uncertain significance (3). 1 of the submissions does not count toward it. Last evaluated 2024-12-10.

Conditions:
Inborn genetic diseases. Identifiers: MedGen C0950123, MeSH D030342.
TRIM32-related disorder. Also called: TRIM32-related condition.
Bardet-Biedl syndrome 11 (BBS11). Identifiers: Orphanet 110, MedGen C1859569, MONDO:0014439, OMIM 615988.
Sarcotubular myopathy (LGMDR8). Also called: Autosomal recessive limb-girdle muscular dystrophy type 2H; MUSCULAR DYSTROPHY, LIMB-GIRDLE, AUTOSOMAL RECESSIVE 8; Hutterite type of muscular dystrophy; Limb-girdle muscular dystrophy, type 2H. Identifiers: Orphanet 1878, MedGen C0270968, MONDO:0009683, OMIM 254110.
Bardet-Biedl syndrome (BBS). Identifiers: Orphanet 110, MedGen C0752166, MONDO:0015229.

Allele frequency attached by ClinVar (database versions not stated): gnomAD below 0.00001 and 0.00001; ExAC 0.00002; gnomAD exomes 0.00002.
gnomAD v4.1: 17 of 1,614,042 alleles (0.0011%); highest among the groups gnomAD compares: South Asian, 0.011%; no homozygotes.

Submissions (4):

Ambry Genetics
Classification: Uncertain significance for Inborn genetic diseases. Last evaluated: 2024-12-10. Review status: criteria provided, single submitter. Criteria: Ambry Variant Classification Scheme 2023. Collection method: clinical testing. Allele origin: germline.

Labcorp Genetics (formerly Invitae), Labcorp
Classification: Uncertain significance for Bardet-Biedl syndrome. Last evaluated: 2024-10-22. Review status: criteria provided, single submitter. Criteria: Invitae Variant Classification Sherloc (09022015). Collection method: clinical testing. Allele origin: germline.
Comment: This sequence change replaces arginine, which is basic and polar, with histidine, which is basic and polar, at codon 596 of the TRIM32 protein (p.Arg596His). This variant is present in population databases (rs750300057, gnomAD 0.01%). This variant has not been reported in the literature in individuals affected with TRIM32-related conditions. ClinVar contains an entry for this variant (Variation ID: 1012070). An algorithm developed to predict the effect of missense changes on protein structure and function (PolyPhen-2) suggests that this variant is likely to be disruptive. In summary, the available evidence is currently insufficient to determine the role of this variant in disease. Therefore, it has been classified as a Variant of Uncertain Significance.

Fulgent Genetics
Classification: Uncertain significance for Sarcotubular myopathy; Bardet-Biedl syndrome 11. Last evaluated: 2022-01-11. Review status: criteria provided, single submitter. Criteria: ACMG Guidelines, 2015. Collection method: clinical testing. Allele origin: unknown.

PreventionGenetics, part of Exact Sciences
Classification: Uncertain significance for TRIM32-related condition. Last evaluated: 2024-03-28. Review status: no assertion criteria provided. Collection method: clinical testing. Allele origin: germline. Not counted in ClinVar's aggregate classification.
Comment: The TRIM32 c.1787G>A variant is predicted to result in the amino acid substitution p.Arg596His. To our knowledge, this variant has not been reported in the literature. This variant is reported in 0.013% of alleles in individuals of South Asian descent in gnomAD. At this time, the clinical significance of this variant is uncertain due to the absence of conclusive functional and genetic evidence.

NM_012210.4(TRIM32):c.1787G>A (p.Arg596His)

Genes: ASTN2 (astrotactin 2; minus strand), TRIM32 (tripartite motif containing 32; plus strand). Cytogenetic location: 9q33.1.
Variant type: single nucleotide variant.
Coding change: c.1787G>A on transcript NM_012210.4 (MANE Select); coding-DNA position 1787, G replaced by A.
Protein change: p.Arg596His; replaces arginine 596 with histidine.
Molecular consequence: missense variant. On other transcripts: intron variant (3).
Genome position (GRCh38, 1-based): chr9:116,699,529, G>A. VCF-style: chr9-116699529-G-A. GRCh37 (hg19) VCF-style: chr9-119461808-G-A.
Other names: c.1787G>A, p.Arg596His (NM_001099679.2, NM_001379048.1, NM_001379049.1 and 1 more transcripts); c.2653+26242C>T (NM_014010.5); c.2794+26242C>T (NM_001365069.1); c.2806+26242C>T (NM_001365068.1); short protein forms R596H.
Identifiers: ClinVar variation 1012070 (VCV001012070.12), dbSNP rs750300057, ClinGen allele CA5211211.